The following is an entry in ClinVar:

ClinVar aggregate classification (germline): Likely pathogenic. Review status: criteria provided, multiple submitters, no conflicts (2 of 4 stars). 2 submissions from 2 submitters: Likely pathogenic (2). Last evaluated 2023-03-23.

Conditions:
Dilated cardiomyopathy 1G (CMD1G). Identifiers: Orphanet 154, MedGen C1858763, MONDO:0011400, OMIM 604145.
Autosomal recessive limb-girdle muscular dystrophy type 2J (LGMDR10). Also called: Limb-girdle muscular dystrophy, type 2J; MUSCULAR DYSTROPHY, LIMB-GIRDLE, AUTOSOMAL RECESSIVE 10. Identifiers: Orphanet 140922, MedGen C1837342, MONDO:0012127, OMIM 608807.

Submissions (2):

Labcorp Genetics (formerly Invitae), Labcorp
Classification: Likely pathogenic for Dilated cardiomyopathy 1G; Autosomal recessive limb-girdle muscular dystrophy type 2J. Last evaluated: 2023-03-23. Review status: criteria provided, single submitter. Criteria: Invitae Variant Classification Sherloc (09022015). Collection method: clinical testing. Allele origin: germline.
Comment: In summary, the currently available evidence indicates that the variant is pathogenic, but additional data are needed to prove that conclusively. Therefore, this variant has been classified as Likely Pathogenic. This variant is located in the A band of TTN (PMID: 25589632). Truncating variants in this region are significantly overrepresented in patients affected with dilated cardiomyopathy (PMID: 25589632). Truncating variants in this region have also been reported in individuals affected with autosomal recessive centronuclear myopathy (PMID: 23975875). ClinVar contains an entry for this variant (Variation ID: 1511208). This premature translational stop signal has been observed in individual(s) with dilated cardiomyopathy (PMID: 27813223). This variant is not present in population databases (gnomAD no frequency). This sequence change creates a premature translational stop signal (p.Ile28022Argfs*22) in the TTN gene. While this is not anticipated to result in nonsense mediated decay, it is expected to create a truncated TTN protein.

Revvity Omics, Revvity
Classification: Likely pathogenic. Last evaluated: 2022-01-16. Review status: criteria provided, single submitter. Criteria: ACMG Guidelines, 2015. Collection method: clinical testing. Allele origin: germline.

Literature cited by the submitters: PubMed 25589632 (cited by Labcorp Genetics (formerly Invitae), Labcorp); PubMed 23975875 (cited by Labcorp Genetics (formerly Invitae), Labcorp); PubMed 27813223 (cited by Labcorp Genetics (formerly Invitae), Labcorp).

NM_001267550.2(TTN):c.84063_84066del (p.Ile28022fs)

Genes: TTN (titin; minus strand), TTN-AS1 (TTN antisense RNA 1; plus strand). Cytogenetic location: 2q31.2.
Variant type: Deletion.
Coding change: c.84063_84066del on transcript NM_001267550.2 (MANE Select); coding-DNA positions 84063 to 84066, 4 bases deleted (TATT; older notation c.84063_84066delTATT).
Protein change: p.Ile28022fs; shifts the reading frame from isoleucine 28022.
Molecular consequence: frameshift variant.
Genome position (GRCh38, 1-based): chr2:178,562,066-178,562,069, AATA deleted on the plus strand (TATT on the coding strand, the reverse complement: TTN is on the minus strand). VCF-style (leftmost placement, unchanged base first): chr2-178562065-TAATA-T. GRCh37 (hg19) VCF-style: chr2-179426792-TAATA-T.
Other names: c.79140_79143del, p.Ile26381fs (NM_001256850.1); c.56868_56871del, p.Ile18957fs (NM_003319.4); c.76359_76362del, p.Ile25454fs (NM_133378.4); c.57243_57246del, p.Ile19082fs (NM_133432.3); c.57444_57447del, p.Ile19149fs (NM_133437.4); short protein forms I25454fs, I18957fs, I19082fs, I26381fs, I19149fs, I28022fs.
Identifiers: ClinVar variation 1511208 (VCV001511208.8), dbSNP rs796692860, ClinGen allele CA60985261.
Genomic context (GRCh38, chr2:178,562,065, plus strand): 5'-ATCCAGCACTGTTTGAAACACATAATTCATAAGTTCCAACATCTTCCTTTGAAGCTTCCT[TAATA>T]GATAGTGATGTTACAGTCTTTGAAGAAGAAACATTGACTCTAGTTGTCTCTTTAAGAGTC-3'